The following is an entry in ClinVar:

ClinVar aggregate classification (germline): Uncertain significance (1 of 4 stars; one submission).

Submission:

Women's Health and Genetics/Laboratory Corporation of America, LabCorp
Classification: Uncertain significance. Last evaluated: 2023-01-11. Review status: criteria provided, single submitter. Criteria: LabCorp Variant Classification Summary - May 2015. Collection method: clinical testing. Allele origin: germline.
Comment: Variant summary: STAT3 c.1940_1941delinsTT (p.Asn647Ile) results in a non-conservative amino acid change located in the SH2 domain (IPR000980) of the encoded protein sequence. Three of five in-silico tools predict a benign effect of the variant on protein function. The variant was absent in 251490 control chromosomes (gnomAD). The available data on variant occurrences in the general population are insufficient to allow any conclusion about variant significance. To our knowledge, no occurrences of c.1940_1941delinsTT in individuals affected with Infantile-Onset Multisystem Autoimmune Disease or Hyper IgE Syndrome have been reported. Another variant resulting in the same amino acid change (c.1940A>T, p.Asn647Ile) has been frequently reported as a somatic mutation in individuals affected with various types of hematopoietic and lymphoid malignancies. These reports however, do not provide unequivocal conclusions about association of c.1940_1941delinsTT with Infantile-Onset Multisystem Autoimmune Disease or Hyper IgE Syndrome. At least two functional studies report that in cell culture N647I results in increased levels of phosphorylated STAT3 and increased transcriptional activity versus WT upon stimulation with cytokines, providing experimental evidence supporting that it is a gain-of-function mutation (e.g. Chandrasekaran_2016, Milner_2015). However, it is not clear whether this gain-of-function activity would support a pathogenic role that would result in Infantile-Onset Multisystem Autoimmune Disease or Hyper IgE Syndrome. No clinical diagnostic laboratories have submitted clinical-significance assessments for this variant to ClinVar after 2014. Based on the evidence outlined above, the variant was classified as uncertain significance until additional information becomes available to determine its role in a clinical context.

Literature cited by the submitters: PubMed 27345172; PubMed 25359994.

NM_139276.3(STAT3):c.1940_1941delinsTT (p.Asn647Ile)

Gene: STAT3 (signal transducer and activator of transcription 3; minus strand). Cytogenetic location: 17q21.2.
Variant type: Indel.
Coding change: c.1940_1941delinsTT on transcript NM_139276.3 (MANE Select); coding-DNA positions 1940 to 1941, AC replaced by TT.
Protein change: p.Asn647Ile; replaces asparagine 647 with isoleucine.
Molecular consequence: missense variant.
Genome position (GRCh38, 1-based): chr17:42,322,442-42,322,443, GT replaced by AA on the plus strand (AC replaced by TT on the coding strand, the reverse complement: STAT3 is on the minus strand). VCF-style: chr17-42322442-GT-AA. GRCh37 (hg19) VCF-style: chr17-40474460-GT-AA.
Other names: c.1940_1941delinsTT, p.Asn647Ile (NM_001369512.1, NM_001369513.1, NM_001369514.1 and 9 more transcripts); c.1856_1857delinsTT, p.Asn619Ile (NM_001384984.1); c.1862_1863delinsTT, p.Asn621Ile (NM_001384985.1); c.1955_1956delinsTT, p.Asn652Ile (NM_001384986.1, NM_001384990.1); c.1919_1920delinsTT, p.Asn640Ile (NM_001384987.1); c.1844_1845delinsTT, p.Asn615Ile (NM_001384989.1); c.1913_1914delinsTT, p.Asn638Ile (NM_001384991.1); c.1880_1881delinsTT, p.Asn627Ile (NM_001384992.1); and 1 more; short protein forms N615I, N619I, N621I, N627I, N638I, N640I, N647I, N652I.
Identifiers: ClinVar variation 2429308 (VCV002429308.3), dbSNP rs2509193837, ClinGen allele CA2580093735.
Genomic context (GRCh38, chr17:42,322,442, plus strand): 5'-CACCAGGATATTGGTAGCATCCATGATCTTATAGCCCATGATGATTTCAGCAAATGACAT[GT>AA]TGTTCAGCTGCTGCTTTGTGTATGGTTCCACGGACTGGATCTGGGTCTTACCTGTCACAG-3'
Protein context (NP_644805.1, residues 637-657): VEPYTKQQLN[Asn647Ile]MSFAEIIMGY